The following is an entry in ClinVar:

ClinVar aggregate classification (germline): Uncertain significance (1 of 4 stars; one submission).

Allele frequency attached by ClinVar (database versions not stated): gnomAD exomes below 0.00001.
gnomAD v4.1: 1 of 1,613,042 alleles (0.000062%); highest among the groups gnomAD compares: Non-Finnish European, 0.000085%; no homozygotes.

Submission:

Labcorp Genetics (formerly Invitae), Labcorp
Classification: Uncertain significance. Last evaluated: 2023-06-29. Review status: criteria provided, single submitter. Criteria: Invitae Variant Classification Sherloc (09022015). Collection method: clinical testing. Allele origin: germline.
Comment: Advanced modeling of protein sequence and biophysical properties (such as structural, functional, and spatial information, amino acid conservation, physicochemical variation, residue mobility, and thermodynamic stability) performed at Invitae indicates that this missense variant is not expected to disrupt CDSN protein function. In summary, the available evidence is currently insufficient to determine the role of this variant in disease. Therefore, it has been classified as a Variant of Uncertain Significance. This variant has not been reported in the literature in individuals affected with CDSN-related conditions. This variant is not present in population databases (gnomAD no frequency). This sequence change replaces glycine, which is neutral and non-polar, with serine, which is neutral and polar, at codon 127 of the CDSN protein (p.Gly127Ser).

NM_001264.5(CDSN):c.379G>A (p.Gly127Ser)

Genes: CDSN (corneodesmosin; minus strand), PSORS1C1 (psoriasis susceptibility 1 candidate 1; plus strand). Cytogenetic location: 6p21.33.
Variant type: single nucleotide variant.
Coding change: c.379G>A on transcript NM_001264.5 (MANE Select); coding-DNA position 379, G replaced by A.
Protein change: p.Gly127Ser; replaces glycine 127 with serine.
Molecular consequence: missense variant. On other transcripts: intron variant (1).
Genome position (GRCh38, 1-based): chr6:31,117,236, C>T on the plus strand (G>A on the coding strand, the complement: CDSN is on the minus strand). VCF-style: chr6-31117236-C-T. GRCh37 (hg19) VCF-style: chr6-31085013-C-T.
Other names: c.-229+2345C>T (NM_014068.3); short protein forms G127S.
Identifiers: ClinVar variation 2784550 (VCV002784550.3), dbSNP rs2481090658, ClinGen allele CA363316770.
Genomic context (GRCh38, chr6:31,117,236, plus strand): 5'-GAGAGCCGCTGTTTCCCGAGTGAGAGCTGCTGCTCCCCAGCTGGGAGGAACCGGATGCAC[C>T]TTGTAGACTAGAGCCAGATCCGGAGGAGTAGCTGACCTGGGAATACCCCGTTCCTGGCTT-3'
Protein context (NP_001255.4, residues 117-137): YSSGSGSSLQ[Gly127Ser]ASGSSQLGSS